The following is an entry in ClinVar:

ClinVar aggregate classification (germline): Benign. Review status: criteria provided, multiple submitters, no conflicts (2 of 4 stars). 10 submissions from 8 submitters: Benign (6). 4 of the submissions do not count toward it. Last evaluated 2026-02-04.

Conditions:
Frontotemporal dementia and/or amyotrophic lateral sclerosis 4. Also called: FTDALS4. Identifiers: Orphanet 275872, MedGen C4225325, MONDO:0014641, OMIM 616439.
Glaucoma 1, open angle, P. Identifiers: MedGen C3888338, MONDO:0008328, OMIM 177700.

Submissions (10):

Labcorp Genetics (formerly Invitae), Labcorp
Classification: Benign for Frontotemporal dementia and/or amyotrophic lateral sclerosis 4. Last evaluated: 2026-02-04. Review status: criteria provided, single submitter. Criteria: Invitae Variant Classification Sherloc (09022015). Collection method: clinical testing. Allele origin: germline.

Unidad de Genómica Garrahan, Hospital de Pediatría Garrahan
Classification: Benign. Last evaluated: 2024-01-24. Review status: criteria provided, single submitter. Criteria: ACMG Guidelines, 2015. Collection method: clinical testing. Allele origin: germline. Affected: no. Observed: 95 variant alleles.
Comment: This variant is classified as Benign based on local population frequency. This variant was detected in 100% of patients studied by a panel of primary immunodeficiencies. Number of patients: 95. Only high quality variants are reported.

Genome-Nilou Lab
Classification: Benign for Frontotemporal dementia and/or amyotrophic lateral sclerosis 4. Last evaluated: 2021-07-15. Review status: criteria provided, single submitter. Criteria: ACMG Guidelines, 2015. Collection method: clinical testing. Allele origin: germline. Affected: no.

GeneDx
Classification: Benign. Last evaluated: 2018-10-17. Review status: criteria provided, single submitter. Criteria: GeneDx Variant Classification Process June 2021. Collection method: clinical testing. Allele origin: germline. Affected: yes.

Laboratory for Molecular Medicine, Mass General Brigham Personalized Medicine
Classification: Benign. Last evaluated: 2016-03-29. Review status: criteria provided, single submitter. Criteria: LMM Criteria. Collection method: clinical testing. Allele origin: germline.
Comment: Variant identified in a genome or exome case(s) and assessed due to predicted null impact of the variant or pathogenic assertions in the literature or databases. Disclaimer: This variant has not undergone full assessment. The following are preliminary notes: Frequency

Genome Diagnostics Laboratory, University Medical Center Utrecht
Classification: Benign for Glaucoma 1, open angle, P. Last evaluated: 2015-07-30. Review status: criteria provided, single submitter. Criteria: ACGS Guidelines, 2013. Collection method: clinical testing. Allele origin: germline. Affected: yes. Study: VKGL Data-share Consensus.

Genome Diagnostics Laboratory, Amsterdam University Medical Center
Classification: Benign for Glaucoma 1, open angle, P. Last evaluated: 2016-04-22. Review status: no assertion criteria provided. Criteria: ACGS Guidelines, 2013. Collection method: clinical testing. Allele origin: germline. Affected: yes. Study: VKGL Data-share Consensus. Not counted in ClinVar's aggregate classification.

Clinical Genetics, Academic Medical Center
Classification: Benign. Review status: no assertion criteria provided. Collection method: clinical testing. Allele origin: germline. Affected: yes. Study: VKGL Data-share Consensus. Not counted in ClinVar's aggregate classification.

Genome Diagnostics Laboratory, Amsterdam University Medical Center
Classification: Benign. Review status: no assertion criteria provided. Collection method: clinical testing. Allele origin: germline. Affected: yes. Study: VKGL Data-share Consensus. Not counted in ClinVar's aggregate classification.

Genome Diagnostics Laboratory, University Medical Center Utrecht
Classification: Benign. Review status: no assertion criteria provided. Collection method: clinical testing. Allele origin: germline. Affected: yes. Study: VKGL Data-share Consensus. Not counted in ClinVar's aggregate classification.

NM_013254.4(TBK1):c.229-4dup

Gene: TBK1 (TANK binding kinase 1; plus strand). Cytogenetic location: 12q14.2.
Variant type: Duplication.
Coding change: c.229-4dup on transcript NM_013254.4 (MANE Select); 4 bases into the intron before coding-DNA position 229, one base duplicated (T; older notation c.229-4dupT).
Molecular consequence: intron variant.
Genome position (GRCh38, 1-based): chr12:64,464,330, T duplicated; the last of 10 consecutive T bases (chr12:64,464,321-64,464,330); duplicating any one gives the same sequence. VCF-style (leftmost placement, unchanged base first): chr12-64464320-A-AT. GRCh37 (hg19) VCF-style: chr12-64858100-A-AT.
Other names: c.229-4dup (LRG_1306t1).
Identifiers: ClinVar variation 403521 (VCV000403521.24), dbSNP rs57810028, ClinGen allele CA6668753.